The following is an entry in ClinVar:

ClinVar aggregate classification (germline): Likely benign (1 of 4 stars; one submission).

Allele frequency attached by ClinVar (database versions not stated): TOPMed 0.00004.
gnomAD v4.1: 10 of 1,613,924 alleles (0.00062%); highest among the groups gnomAD compares: Non-Finnish European, 0.00051%; no homozygotes.

Submission:

GeneDx
Classification: Likely benign. Last evaluated: 2018-02-07. Review status: criteria provided, single submitter. Criteria: GeneDx Variant Classification (06012015). Collection method: clinical testing. Allele origin: germline. Affected: yes.
Comment: This variant is considered likely benign or benign based on one or more of the following criteria: it is a conservative change, it occurs at a poorly conserved position in the protein, it is predicted to be benign by multiple in silico algorithms, and/or has population frequency not consistent with disease.

NM_001018116.2(CAVIN4):c.519G>A (p.Ser173=)

Gene: CAVIN4 (caveolae associated protein 4; plus strand). Cytogenetic location: 9q31.1.
Variant type: single nucleotide variant.
Coding change: c.519G>A on transcript NM_001018116.2 (MANE Select); coding-DNA position 519, G replaced by A.
Protein change: p.Ser173=; no amino-acid change (serine 173 retained).
Molecular consequence: synonymous variant.
Genome position (GRCh38, 1-based): chr9:100,585,875, G>A. VCF-style: chr9-100585875-G-A. GRCh37 (hg19) VCF-style: chr9-103348157-G-A.
Other names: c.519G>A, p.Ser173= (LRG_760t1).
Identifiers: ClinVar variation 515285 (VCV000515285.1), dbSNP rs145794010, ClinGen allele CA196940911.
Genomic context (GRCh38, chr9:100,585,875, plus strand): 5'-AACTGAGAACCAAGAAGAGGATGATGATGATATCTTTGATCCCCCAGTAGATCTGTCTTC[G>A]GATGAAGAATATTATGTTGAAGAAAGCAGATCTGCCAGGCTTAGGAAGTCAGGCAAGGAG-3'
Protein context (NP_001018126.1, residues 163-183): DIFDPPVDLS[Ser173=]DEEYYVEESR